The following is an entry in ClinVar:

ClinVar aggregate classification (germline): Uncertain significance. Review status: criteria provided, multiple submitters, no conflicts (2 of 4 stars). 4 submissions from 4 submitters: Uncertain significance (4). Last evaluated 2025-05-24.

Conditions:
Inborn genetic diseases. Identifiers: MedGen C0950123, MeSH D030342.
Neuropathy, hereditary sensory and autonomic, type 2A (HSAN2A). Also called: MORVAN DISEASE; NEUROPATHY, CONGENITAL SENSORY; NEUROPATHY, HEREDITARY SENSORY RADICULAR, AUTOSOMAL RECESSIVE; NEUROPATHY, HEREDITARY SENSORY, TYPE IIA; NEUROPATHY, PROGRESSIVE SENSORY, OF CHILDREN; HSAN IIA. Identifiers: Orphanet 970, MedGen C2752089, MONDO:0024309, OMIM 201300.
Generalized epilepsy with febrile seizures plus, type 7 (GEFSP7). Also called: GEFS+, TYPE 7. Identifiers: Orphanet 36387, MedGen C2751778, MONDO:0013470, OMIM 613863.

Allele frequency attached by ClinVar (database versions not stated): gnomAD exomes below 0.00001; TOPMed 0.00001; ESP Exome Variant Server 0.00008.
gnomAD v4.1: 2 of 1,608,044 alleles (0.00012%); highest among the groups gnomAD compares: Non-Finnish European, 0.00017%; no homozygotes.

Submissions (4):

Labcorp Genetics (formerly Invitae), Labcorp
Classification: Uncertain significance for Neuropathy, hereditary sensory and autonomic, type 2A; Generalized epilepsy with febrile seizures plus, type 7. Last evaluated: 2025-05-24. Review status: criteria provided, single submitter. Criteria: Invitae Variant Classification Sherloc (09022015). Collection method: clinical testing. Allele origin: germline.
Comment: This sequence change replaces tyrosine, which is neutral and polar, with cysteine, which is neutral and slightly polar, at codon 341 of the SCN9A protein (p.Tyr341Cys). This variant is not present in population databases (gnomAD no frequency). This variant has not been reported in the literature in individuals affected with SCN9A-related conditions. ClinVar contains an entry for this variant (Variation ID: 245823). Invitae Evidence Modeling of protein sequence and biophysical properties (such as structural, functional, and spatial information, amino acid conservation, physicochemical variation, residue mobility, and thermodynamic stability) has been performed for this missense variant. However, the output from this modeling did not meet the statistical confidence thresholds required to predict the impact of this variant on SCN9A protein function. In summary, the available evidence is currently insufficient to determine the role of this variant in disease. Therefore, it has been classified as a Variant of Uncertain Significance.

ARUP Laboratories, Molecular Genetics and Genomics, ARUP Laboratories
Classification: Uncertain significance. Last evaluated: 2024-05-08. Review status: criteria provided, single submitter. Criteria: ARUP Molecular Germline Variant Investigation Process 2024. Collection method: clinical testing. Allele origin: germline.
Comment: The SCN9A c.1022A>G; p.Tyr341Cys variant (rs374280444), to our knowledge, is not reported in the medical literature but is reported in ClinVar (Variation ID: 245823). This variant is absent from the Genome Aggregation Database (v2.1.1), indicating it is not a common polymorphism. Computational analyses predict that this variant is deleterious (REVEL: 0.951). Due to limited information, the clinical significance of this variant is uncertain at this time.

Ambry Genetics
Classification: Uncertain significance for Inborn genetic diseases. Last evaluated: 2021-08-02. Review status: criteria provided, single submitter. Criteria: Ambry Variant Classification Scheme 2023. Collection method: clinical testing. Allele origin: germline.

GeneDx
Classification: Uncertain significance. Last evaluated: 2015-07-17. Review status: criteria provided, single submitter. Criteria: GeneDx Variant Classification (06012015). Collection method: clinical testing. Allele origin: germline. Affected: yes.
Comment: The Y341C variant has not been published as pathogenic, nor has it been reported as a benign polymorphism to our knowledge. It was not observed with any significant frequency in approximately 6,200 individuals of European and African American ancestry in the NHLBI Exome Sequencing Project. The Y341C variant is a non-conservative amino acid substitution, which is likely to impact secondary protein structure as these residues differ in polarity, charge, size and/or other properties. This substitution occurs at a conserved position between the S5 and S6 transmembrane segments of the first homologous domain. In silico analysis predicts this variant is probably damaging to the protein structure/function. However, missense variants have not been reported in this region of the protein in association with SCN9A-related neuropathy. Therefore, based on the currently available information, it is unclear whether this variant is a pathogenic or a rare benign variant.

NM_001365536.1(SCN9A):c.1022A>G (p.Tyr341Cys)

Genes: SCN9A (sodium voltage-gated channel alpha subunit 9; minus strand), SCN1A-AS1 (SCN1A and SCN9A antisense RNA 1; plus strand). Cytogenetic location: 2q24.3.
Variant type: single nucleotide variant.
Coding change: c.1022A>G on transcript NM_001365536.1 (MANE Select); coding-DNA position 1022, A replaced by G.
Protein change: p.Tyr341Cys; replaces tyrosine 341 with cysteine.
Molecular consequence: missense variant.
Genome position (GRCh38, 1-based): chr2:166,293,316, T>C on the plus strand (A>G on the coding strand, the complement: SCN9A is on the minus strand). VCF-style: chr2-166293316-T-C. GRCh37 (hg19) VCF-style: chr2-167149826-T-C.
Other names: c.1022A>G, p.Tyr341Cys (NM_002977.4); short protein forms Y341C.
Identifiers: ClinVar variation 245823 (VCV000245823.15), dbSNP rs374280444, ClinGen allele CA10584168.